The following is an entry in ClinVar:

NM_002878.4(RAD51D):c.83-4T>C

Genes: RAD51L3-RFFL (RAD51L3-RFFL readthrough; minus strand), RAD51D (RAD51 paralog D; minus strand). Cytogenetic location: 17q12.
Variant type: single nucleotide variant.
Coding change: c.83-4T>C on transcript NM_002878.4 (MANE Select); 4 bases into the intron before coding-DNA position 83, T replaced by C.
Molecular consequence: intron variant.
Genome position (GRCh38, 1-based): chr17:35,119,176, A>G on the plus strand (T>C on the coding strand, the complement: RAD51D is on the minus strand). VCF-style: chr17-35119176-A-G. GRCh37 (hg19) VCF-style: chr17-33446195-A-G.
Other names: c.83-4T>C (NM_133629.3, NM_001142571.2).
Identifiers: ClinVar variation 631020 (VCV000631020.15), dbSNP rs1567735916, ClinGen allele CA913188839.

ClinVar aggregate classification (germline): Likely benign. Review status: criteria provided, multiple submitters, no conflicts (2 of 4 stars). 4 submissions from 4 submitters: Likely benign (4). Last evaluated 2025-02-20.

Conditions:
Hereditary cancer-predisposing syndrome. Also called: Tumor predisposition; Neoplastic Syndromes, Hereditary; Hereditary neoplastic syndrome; Hereditary Cancer Syndrome. Identifiers: Orphanet 140162, MedGen C0027672, MeSH D009386, MONDO:0015356.
Breast-ovarian cancer, familial, susceptibility to, 4. Identifiers: Orphanet 145, MedGen C3280345, MONDO:0013669, OMIM 614291.

Submissions (4):

Myriad Genetics, Inc.
Classification: Likely benign for Breast-ovarian cancer, familial, susceptibility to, 4. Last evaluated: 2025-02-20. Review status: criteria provided, single submitter. Criteria: Myriad Autosomal Dominant, Autosomal Recessive and X-Linked Classification Criteria (2023). Collection method: clinical testing. Allele origin: unknown.
Comment: This variant is considered likely benign. This variant is intronic and is not expected to impact mRNA splicing.

Labcorp Genetics (formerly Invitae), Labcorp
Classification: Likely benign for Breast-ovarian cancer, familial, susceptibility to, 4. Last evaluated: 2024-01-04. Review status: criteria provided, single submitter. Criteria: Invitae Variant Classification Sherloc (09022015). Collection method: clinical testing. Allele origin: germline.

Ambry Genetics
Classification: Likely benign for Hereditary cancer-predisposing syndrome. Last evaluated: 2022-12-05. Review status: criteria provided, single submitter. Criteria: Ambry Variant Classification Scheme 2023. Collection method: clinical testing. Allele origin: germline.

Color Diagnostics, LLC DBA Color Health
Classification: Likely benign for Hereditary cancer-predisposing syndrome. Last evaluated: 2017-12-11. Review status: criteria provided, single submitter. Criteria: ACMG Guidelines, 2015. Collection method: clinical testing. Allele origin: germline.